The following is an entry in ClinVar:

ClinVar aggregate classification (germline): Uncertain significance (1 of 4 stars; one submission).

Conditions:
Autosomal recessive limb-girdle muscular dystrophy type 2J (LGMDR10). Also called: Limb-girdle muscular dystrophy, type 2J; MUSCULAR DYSTROPHY, LIMB-GIRDLE, AUTOSOMAL RECESSIVE 10. Identifiers: Orphanet 140922, MedGen C1837342, MONDO:0012127, OMIM 608807.
Dilated cardiomyopathy 1G (CMD1G). Identifiers: Orphanet 154, MedGen C1858763, MONDO:0011400, OMIM 604145.

Allele frequency attached by ClinVar (database versions not stated): gnomAD exomes below 0.00001.
gnomAD v4.1: 3 of 1,613,922 alleles (0.00019%); highest among the groups gnomAD compares: Non-Finnish European, 0.00025%; no homozygotes.

Submission:

Labcorp Genetics (formerly Invitae), Labcorp
Classification: Uncertain significance for Dilated cardiomyopathy 1G; Autosomal recessive limb-girdle muscular dystrophy type 2J. Last evaluated: 2023-02-03. Review status: criteria provided, single submitter. Criteria: Invitae Variant Classification Sherloc (09022015). Collection method: clinical testing. Allele origin: germline.
Comment: This sequence change replaces tyrosine, which is neutral and polar, with histidine, which is basic and polar, at codon 33792 of the TTN protein (p.Tyr33792His). This variant is not present in population databases (gnomAD no frequency). This variant has not been reported in the literature in individuals affected with TTN-related conditions. Experimental studies and prediction algorithms are not available or were not evaluated, and the functional significance of this variant is currently unknown. In summary, the available evidence is currently insufficient to determine the role of this variant in disease. Therefore, it has been classified as a Variant of Uncertain Significance. This variant is located in the M band of TTN (PMID: 25589632). Variants in this region may be relevant for neuromuscular disorders, but have not been definitively shown to cause cardiomyopathy (PMID: 23975875).

Literature cited by the submitters: PubMed 25589632; PubMed 23975875.

NM_001267550.2(TTN):c.101374T>C (p.Tyr33792His)

Genes: TTN-AS1 (TTN antisense RNA 1; plus strand), TTN (titin; minus strand). Cytogenetic location: 2q31.2.
Variant type: single nucleotide variant.
Coding change: c.101374T>C on transcript NM_001267550.2 (MANE Select); coding-DNA position 101374, T replaced by C.
Protein change: p.Tyr33792His; replaces tyrosine 33792 with histidine.
Molecular consequence: missense variant.
Genome position (GRCh38, 1-based): chr2:178,535,241, A>G on the plus strand (T>C on the coding strand, the complement: TTN is on the minus strand). VCF-style: chr2-178535241-A-G. GRCh37 (hg19) VCF-style: chr2-179399968-A-G.
Other names: c.96451T>C, p.Tyr32151His (NM_001256850.1); c.74179T>C, p.Tyr24727His (NM_003319.4); c.93670T>C, p.Tyr31224His (NM_133378.4); c.74554T>C, p.Tyr24852His (NM_133432.3); c.74755T>C, p.Tyr24919His (NM_133437.4); short protein forms Y24727H, Y24919H, Y31224H, Y24852H, Y33792H, Y32151H.
Identifiers: ClinVar variation 2931795 (VCV002931795.3), dbSNP rs2468568414, ClinGen allele CA349420854.